The following is an entry in ClinVar:

NM_015450.3(POT1):c.806C>T (p.Thr269Ile)

Gene: POT1 (protection of telomeres 1; minus strand). Cytogenetic location: 7q31.33.
Variant type: single nucleotide variant.
Coding change: c.806C>T on transcript NM_015450.3 (MANE Select); coding-DNA position 806, C replaced by T.
Protein change: p.Thr269Ile; replaces threonine 269 with isoleucine.
Molecular consequence: missense variant. On other transcripts: non-coding transcript variant (3).
Genome position (GRCh38, 1-based): chr7:124,853,035, G>A on the plus strand (C>T on the coding strand, the complement: POT1 is on the minus strand). VCF-style: chr7-124853035-G-A. GRCh37 (hg19) VCF-style: chr7-124493089-G-A.
Other names: c.806C>T (NM_015450.2); c.413C>T, p.Thr138Ile (NM_001042594.2); short protein forms T269I, T138I.
Identifiers: ClinVar variation 1436367 (VCV001436367.8), dbSNP rs932030885, ClinGen allele CA369055376.

ClinVar aggregate classification (germline): Uncertain significance. Review status: criteria provided, multiple submitters, no conflicts (2 of 4 stars). 3 submissions from 3 submitters: Uncertain significance (3). Last evaluated 2025-08-03.

Conditions:
Tumor predisposition syndrome 3 (TPDS3). Also called: LONG TELOMERE SYNDROME, POT1-RELATED; POT1 Tumor Predisposition; Glioma susceptibility 9; Melanoma, cutaneous malignant, susceptibility to, 10. Identifiers: Orphanet 618, MedGen C4014476, MONDO:0014368, OMIM 615848.
Hereditary cancer-predisposing syndrome. Also called: Hereditary Cancer Syndrome; Neoplastic Syndromes, Hereditary; Hereditary neoplastic syndrome; Tumor predisposition. Identifiers: Orphanet 140162, MedGen C0027672, MeSH D009386, MONDO:0015356.

Submissions (3):

Labcorp Genetics (formerly Invitae), Labcorp
Classification: Uncertain significance for Tumor predisposition syndrome 3. Last evaluated: 2025-08-03. Review status: criteria provided, single submitter. Criteria: Invitae Variant Classification Sherloc (09022015). Collection method: clinical testing. Allele origin: germline.
Comment: This sequence change replaces threonine, which is neutral and polar, with isoleucine, which is neutral and non-polar, at codon 269 of the POT1 protein (p.Thr269Ile). This variant is not present in population databases (gnomAD no frequency). This variant has not been reported in the literature in individuals affected with POT1-related conditions. ClinVar contains an entry for this variant (Variation ID: 1436367). Invitae Evidence Modeling of protein sequence and biophysical properties (such as structural, functional, and spatial information, amino acid conservation, physicochemical variation, residue mobility, and thermodynamic stability) indicates that this missense variant is not expected to disrupt POT1 protein function with a negative predictive value of 80%. In summary, the available evidence is currently insufficient to determine the role of this variant in disease. Therefore, it has been classified as a Variant of Uncertain Significance.

Ambry Genetics
Classification: Uncertain significance for Hereditary cancer-predisposing syndrome. Last evaluated: 2025-03-01. Review status: criteria provided, single submitter. Criteria: Ambry Variant Classification Scheme 2023. Collection method: clinical testing. Allele origin: germline.
Comment: The p.T269I variant (also known as c.806C>T), located in coding exon 6 of the POT1 gene, results from a C to T substitution at nucleotide position 806. The threonine at codon 269 is replaced by isoleucine, an amino acid with similar properties. This amino acid position is highly conserved in available vertebrate species. In addition, the in silico prediction for this alteration is inconclusive. Based on the available evidence, the clinical significance of this variant remains unclear.

Molecular Pathology, Peter Maccallum Cancer Centre
Classification: Uncertain significance for Tumor predisposition syndrome 3. Last evaluated: 2024-01-25. Review status: criteria provided, single submitter. Criteria: ACMG Guidelines, 2015. Collection method: clinical testing. Allele origin: germline. Inheritance: Autosomal dominant inheritance.